The following is an entry in ClinVar:

NM_004260.4(RECQL4):c.3072_3073del (p.Val1026fs)

Gene: RECQL4 (RecQ like helicase 4; minus strand). Cytogenetic location: 8q24.3.
Variant type: Deletion.
Coding change: c.3072_3073del on transcript NM_004260.4 (MANE Select); coding-DNA positions 3072 to 3073, 2 bases deleted (AG; older notation c.3072_3073delAG).
Protein change: p.Val1026fs; shifts the reading frame from valine 1026.
Molecular consequence: frameshift variant.
Genome position (GRCh38, 1-based): chr8:144,512,307-144,512,308, CT deleted on the plus strand (AG on the coding strand, the reverse complement: RECQL4 is on the minus strand). VCF-style (leftmost placement, unchanged base first): chr8-144512306-CCT-C. GRCh37 (hg19) VCF-style: chr8-145737689-CCT-C.
Other names: c.3072_3073delAG (NM_004260.3).
Identifiers: ClinVar variation 239754 (VCV000239754.28), dbSNP rs771538008, ClinGen allele CA4947935.

ClinVar aggregate classification (germline): Pathogenic/Likely pathogenic. Review status: criteria provided, multiple submitters, no conflicts (2 of 4 stars). 12 submissions from 11 submitters: Pathogenic (11); Likely pathogenic (1). Last evaluated 2026-03-10.

Conditions:
RECQL4-related disorder. Also called: RECQL4-related condition; RECQL4-related disorders.
Rothmund-Thomson syndrome type 2 (RTS2). Identifiers: Orphanet 221016, MedGen C5203410, MONDO:0016369, OMIM 268400.
Fetal anomalies with a likely genetic cause.
Pigmentary skin disorders.
Baller-Gerold syndrome (BGS). Also called: CRANIOSYNOSTOSIS WITH RADIAL DEFECTS. Identifiers: Orphanet 1225, MedGen C0265308, MONDO:0009039, OMIM 218600.
Rapadilino syndrome. Identifiers: Orphanet 3021, MedGen C1849453, MONDO:0009955, OMIM 266280.

Allele frequency attached by ClinVar (database versions not stated): gnomAD 0.00004; gnomAD exomes 0.00004 and 0.00003; TOPMed 0.00005; ESP Exome Variant Server 0.00041; ExAC 0.00003.

Submissions (12):

Genetics Laboratory, Great Ormond Street Hospital NHS Foundation Trust, North Thames Genomic Laboratory Hub
Classification: Pathogenic for Fetal anomalies with a likely genetic cause. Last evaluated: 2026-03-10. Review status: criteria provided, single submitter. Criteria: ACGS Best Practice Guidelines for Variant Classification in Rare Disease 2024 v1.2. Collection method: clinical testing. Allele origin: germline. Affected: yes.
Comment: PM2_moderate, PVS1_very-strong, PM3_moderate

Genetics Laboratory, Great Ormond Street Hospital NHS Foundation Trust, North Thames Genomic Laboratory Hub
Classification: Pathogenic for Pigmentary skin disorders. Last evaluated: 2026-03-10. Review status: criteria provided, single submitter. Criteria: ACGS Best Practice Guidelines for Variant Classification in Rare Disease 2024 v1.2. Collection method: clinical testing. Allele origin: germline. Affected: yes.
Comment: the same text as in the submission from Genetics Laboratory, Great Ormond Street Hospital NHS Foundation Trust, North Thames Genomic Laboratory Hub above.

Dasa
Classification: Pathogenic. Last evaluated: 2026-03-04. Review status: criteria provided, single submitter. Criteria: DASA Assertion Criteria. Collection method: clinical testing. Allele origin: germline.
Comment: NM_004260.4(RECQL4):c.3072_3073del (p.Val1026AlafsTer6) introduces a premature termination codon predicted to result in loss of normal protein function. Loss-of-function is an established mechanism of disease for this gene. This variant has been observed in affected individuals with related phenotype in a genotype context consistent with recessive disease (PMID: 18716613; PMID: 27247962). This variant has been recurrently observed in individuals with related phenotype (PMID: 18716613; PMID: 27247962). The variant is present at low frequency in population datasets. Based on the available data, this variant is classified as pathogenic.

Labcorp Genetics (formerly Invitae), Labcorp
Classification: Pathogenic for Baller-Gerold syndrome. Last evaluated: 2025-12-16. Review status: criteria provided, single submitter. Criteria: Invitae Variant Classification Sherloc (09022015). Collection method: clinical testing. Allele origin: germline.
Comment: This sequence change creates a premature translational stop signal (p.Val1026Alafs*6) in the RECQL4 gene. It is expected to result in an absent or disrupted protein product. Loss-of-function variants in RECQL4 are known to be pathogenic (PMID: 12734318, 12952869). This variant is present in population databases (rs771538008, gnomAD 0.02%). This premature translational stop signal has been observed in individual(s) with Rothmund-Thomson syndrome (PMID: 18716613, 27247962). In at least one individual the data is consistent with being in trans (on the opposite chromosome) from a pathogenic variant. ClinVar contains an entry for this variant (Variation ID: 239754). For these reasons, this variant has been classified as Pathogenic.

GeneDx
Classification: Pathogenic. Last evaluated: 2024-11-23. Review status: criteria provided, single submitter. Criteria: GeneDx Variant Classification Process June 2021. Collection method: clinical testing. Allele origin: germline. Affected: yes.
Comment: Frameshift variant predicted to result in protein truncation or nonsense mediated decay in a gene for which loss-of-function is a known mechanism of disease; This variant is associated with the following publications: (PMID: 29625052, 31589614, 34308104, 18716613, 12734318, 27247962, 36451132)

Institute of Immunology and Genetics Kaiserslautern
Classification: Pathogenic for Rothmund-Thomson syndrome type 2. Last evaluated: 2023-12-18. Review status: criteria provided, single submitter. Criteria: ACMG Guidelines, 2015. Collection method: clinical testing. Allele origin: germline. Affected: no.
Comment: ACMG Criteria: PM2, PVS1, PM3, PP5; Variant was found in a heterozygous state

Genetic Services Laboratory, University of Chicago
Classification: Pathogenic. Last evaluated: 2023-02-24. Review status: criteria provided, single submitter. Criteria: ACMG Guidelines, 2015. Collection method: clinical testing. Allele origin: germline. Affected: yes.
Comment: DNA sequence analysis of the RECQL4 gene demonstrated a two base pair deletion in exon 18, c.3072_3073del. This sequence change results in an amino acid frameshift and creates a premature stop codon five amino acids downstream of the change, p.Val1026Alafs*6. This sequence change is predicted to result in an abnormal transcript, which may be degraded, or may lead to the production of a truncated RECQL4 protein with potentially abnormal function. This sequence change has been described in the gnomAD database with a global frequency of 0.004% (dbSNP rs771538008). This sequence change has previously been described in individuals with Rothmund-Thomson syndrome (RTS) (PMID: 12734318, 18716613, 27247962). It has been described in the homozygous state and also along with a truncating sequence change in the same gene. Loss-of-function variants in RECQL4 have been described in spectrum of RECQL related disorders (PMID: 12734318, 12952869). These collective evidence indicate that this sequence change is pathogenic, however functional studies have not been performed to prove this conclusively.

Institute for Genomic Medicine (IGM) Clinical Laboratory, Nationwide Children's Hospital
Classification: Pathogenic for Rothmund-Thomson syndrome type 2. Last evaluated: 2022-07-07. Review status: criteria provided, single submitter. Criteria: ACMG Guidelines, 2015. Collection method: clinical testing. Allele origin: germline.
Comment: This variant is predicted to result in loss of function through nonsense-mediated decay of the encoded transcript or premature truncation of the encoded protein in a gene in which loss of function is a known mechanism of disease (ACMG/AMP: PVS1). This variant is absent from or present at an exceedingly low frequency in gnomAD, a large-scale control population database (ACMG/AMP: PM2). This variant has been observed in trans with a pathogenic variant (ACMG/AMP: PM3; PMIDs:27247962, 18716613).

Blueprint Genetics
Classification: Pathogenic for RECQL4-related disorders. Last evaluated: 2022-04-01. Review status: criteria provided, single submitter. Criteria: ACMG Guidelines, 2015. Collection method: clinical testing. Allele origin: germline. Affected: yes. Observed: 4 variant alleles.

Revvity Omics, Revvity
Classification: Pathogenic. Last evaluated: 2021-08-04. Review status: criteria provided, single submitter. Criteria: ACMG Guidelines, 2015. Collection method: clinical testing. Allele origin: germline.

Centre for Mendelian Genomics, University Medical Centre Ljubljana
Classification: Likely pathogenic for Rapadilino syndrome. Last evaluated: 2016-01-01. Review status: criteria provided, single submitter. Criteria: ACMG Guidelines, 2015. Collection method: clinical testing. Allele origin: unknown. Affected: yes.
Comment: This variant was classified as: Likely pathogenic. The following ACMG criteria were applied in classifying this variant: PM2,PP5,PP3,PM3.

Juno Genomics, Hangzhou Juno Genomics, Inc
Classification: Pathogenic for Rothmund-Thomson syndrome type 2. Review status: criteria provided, single submitter. Criteria: ACMG Guidelines, 2015. Collection method: clinical testing. Allele origin: germline.
Comment: Absent from controls (or at extremely low frequency if recessive) in Genome Aggregation Database.;Null variant in a gene where loss of function (LOF) is a known mechanism of disease.;For recessive disorders, detected in trans with a pathogenic variant.

Literature cited by the submitters: PubMed 18716613 (cited by 3 submitters); PubMed 27247962 (cited by 3 submitters); PubMed 12734318 (cited by Labcorp Genetics (formerly Invitae), Labcorp); PubMed 12952869 (cited by Labcorp Genetics (formerly Invitae), Labcorp).